The following is an entry in ClinVar:

ClinVar aggregate classification (germline): Conflicting classifications of pathogenicity. Review status: criteria provided, conflicting classifications (1 of 4 stars). 3 submissions from 3 submitters: Likely pathogenic (2); Uncertain significance (1). Last evaluated 2023-06-24.

Conditions:
Irido-corneo-trabecular dysgenesis (ASGD5). Also called: ANTERIOR SEGMENT DYSGENESIS 5. Identifiers: Orphanet 708, MedGen C0344559, MONDO:0011414, OMIM 604229, HP:0000659.
Aniridia 1 (AN1). Identifiers: Orphanet 250923, MedGen C0344542, MONDO:0024507, OMIM 106210.

Submissions (3):

Labcorp Genetics (formerly Invitae), Labcorp
Classification: Uncertain significance for Aniridia 1; Irido-corneo-trabecular dysgenesis. Last evaluated: 2023-06-24. Review status: criteria provided, single submitter. Criteria: Invitae Variant Classification Sherloc (09022015). Collection method: clinical testing. Allele origin: germline.
Comment: In summary, the available evidence is currently insufficient to determine the role of this variant in disease. Therefore, it has been classified as a Variant of Uncertain Significance. This variant disrupts a region of the PAX6 protein in which other variant(s) (p.Gln378Arg) have been observed in individuals with PAX6-related conditions (PMID: 12721955). This suggests that this is a clinically significant region of the protein, and that variants that disrupt it are likely to be disease-causing. ClinVar contains an entry for this variant (Variation ID: 1324848). This variant has not been reported in the literature in individuals affected with PAX6-related conditions. The frequency data for this variant in the population databases is considered unreliable, as metrics indicate poor data quality at this position in the gnomAD database. This sequence change creates a premature translational stop signal (p.His376Thrfs*36) in the PAX6 gene. While this is not anticipated to result in nonsense mediated decay, it is expected to disrupt the last 47 amino acid(s) of the PAX6 protein.

GeneDx
Classification: Likely pathogenic. Last evaluated: 2021-09-22. Review status: criteria provided, single submitter. Criteria: GeneDx Variant Classification Process June 2021. Collection method: clinical testing. Allele origin: germline. Affected: yes.
Comment: Frameshift variant predicted to result in protein truncation, as the last 47 amino acids are replaced with 35 different amino acids, and other loss-of-function variants have been reported downstream in the Human Gene Mutation Database (HGMD); Has not been previously published as pathogenic or benign to our knowledge

Revvity Omics, Revvity
Classification: Likely pathogenic. Last evaluated: 2021-05-17. Review status: criteria provided, single submitter. Criteria: ACMG Guidelines, 2015. Collection method: clinical testing. Allele origin: germline.

Literature cited by the submitters: PubMed 12721955 (cited by Labcorp Genetics (formerly Invitae), Labcorp).

NM_001368894.2(PAX6):c.1166dup (p.His390fs)

Gene: PAX6 (paired box 6; minus strand). Cytogenetic location: 11p13.
Variant type: Duplication.
Coding change: c.1166dup on transcript NM_001368894.2 (MANE Select); coding-DNA position 1166, one base duplicated (C; older notation c.1166dupC).
Protein change: p.His390fs; shifts the reading frame from histidine 390.
Molecular consequence: frameshift variant. On other transcripts: non-coding transcript variant (1), intron variant (9).
Genome position (GRCh38, 1-based): chr11:31,790,769, G duplicated on the plus strand (C on the coding strand, the reverse complement: PAX6 is on the minus strand); the first of 7 consecutive G bases (chr11:31,790,769-31,790,775); duplicating any one gives the same sequence. VCF-style (leftmost placement, unchanged base first): chr11-31790768-T-TG. GRCh37 (hg19) VCF-style: chr11-31812316-T-TG.
Other names: c.1124dup, p.His376fs (NM_000280.6, NM_001127612.3, NM_001258464.2 and 6 more transcripts); c.1166dup, p.His390fs (NM_001258462.3, NM_001258463.2, NM_001310158.2 and 3 more transcripts); c.716dup, p.His240fs (NM_001310160.2, NM_001310161.3, NM_001368899.2 and 10 more transcripts); c.1367dup, p.His457fs (NM_001368910.2); c.1241dup, p.His415fs (NM_001368918.2, NM_001368919.2); c.1199dup, p.His401fs (NM_001368920.2); c.965dup, p.His323fs (NM_001368922.2, NM_001368923.2, NM_001368924.2 and 3 more transcripts); c.923dup, p.His309fs (NM_001368928.2); and 6 more; short protein forms H175fs, H240fs, H309fs, H323fs, H376fs, H390fs, H401fs, H415fs.
Identifiers: ClinVar variation 1324848 (VCV001324848.10), dbSNP rs756801119, ClinGen allele CA5933675.
Genomic context (GRCh38, chr11:31,790,768, plus strand): 5'-ACCTGTTGAAGTGGTGCCCGAGGTGCCCATTGGCTGACTGTTCATGTGTGTCTGCATATG[T>TG]GGGGGGGTGTAGGTATCATAACTCCGCCCATTCACCGAAGGGCTGGTGGGCAGCATGCAG-3'